The following is an entry in ClinVar:

ClinVar aggregate classification (germline): Pathogenic/Likely pathogenic. Review status: criteria provided, multiple submitters, no conflicts (2 of 4 stars). 2 submissions from 2 submitters: Pathogenic (1); Likely pathogenic (1). Last evaluated 2026-01-11.

Conditions:
McKusick-Kaufman syndrome (MKKS). Also called: HYDROMETROCOLPOS SYNDROME; HYDROMETROCOLPOS, POSTAXIAL POLYDACTYLY, AND CONGENITAL HEART MALFORMATION. Identifiers: Orphanet 2473, MedGen C0948368, MONDO:0009367, OMIM 236700.
Bardet-Biedl syndrome (BBS). Identifiers: Orphanet 110, MedGen C0752166, MONDO:0015229.
Bardet-Biedl syndrome 6 (BBS6). Identifiers: Orphanet 110, MedGen C1858054, MONDO:0011523, OMIM 605231.

Allele frequency attached by ClinVar (database versions not stated): gnomAD exomes below 0.00001; gnomAD 0.00001.
gnomAD v4.1: 4 of 1,614,054 alleles (0.00025%); highest among the groups gnomAD compares: Non-Finnish European, 0.00034%; no homozygotes.

Submissions (2):

Labcorp Genetics (formerly Invitae), Labcorp
Classification: Pathogenic for McKusick-Kaufman syndrome; Bardet-Biedl syndrome. Last evaluated: 2026-01-11. Review status: criteria provided, single submitter. Criteria: Invitae Variant Classification Sherloc (09022015). Collection method: clinical testing. Allele origin: germline.
Comment: This sequence change creates a premature translational stop signal (p.Trp478*) in the MKKS gene. While this is not anticipated to result in nonsense mediated decay, it is expected to disrupt the last 93 amino acid(s) of the MKKS protein. This variant is present in population databases (no rsID available, gnomAD 0.01%). This variant has not been reported in the literature in individuals affected with MKKS-related conditions. ClinVar contains an entry for this variant (Variation ID: 2676540). This variant disrupts a region of the MKKS protein in which other variant(s) (p.Ser479*) have been determined to be pathogenic (PMID: 15770229, 33138063). This suggests that this is a clinically significant region of the protein, and that variants that disrupt it are likely to be disease-causing. For these reasons, this variant has been classified as Pathogenic.

Baylor Genetics
Classification: Likely pathogenic for Bardet-Biedl syndrome 6. Last evaluated: 2024-01-24. Review status: criteria provided, single submitter. Criteria: ACMG Guidelines, 2015. Collection method: clinical testing. Allele origin: unknown.

Literature cited by the submitters: PubMed 15770229 (cited by Labcorp Genetics (formerly Invitae), Labcorp); PubMed 33138063 (cited by Labcorp Genetics (formerly Invitae), Labcorp).

NM_170784.3(MKKS):c.1434G>A (p.Trp478Ter)

Gene: MKKS (MKKS centrosomal shuttling protein; minus strand). Cytogenetic location: 20p12.2.
Variant type: single nucleotide variant.
Coding change: c.1434G>A on transcript NM_170784.3 (MANE Select); coding-DNA position 1434, G replaced by A.
Protein change: p.Trp478Ter; replaces tryptophan 478 with a stop codon.
Molecular consequence: nonsense. On other transcripts: non-coding transcript variant (1).
Genome position (GRCh38, 1-based): chr20:10,405,526, C>T on the plus strand (G>A on the coding strand, the complement: MKKS is on the minus strand). VCF-style: chr20-10405526-C-T. GRCh37 (hg19) VCF-style: chr20-10386174-C-T.
Other names: c.1434G>A, p.Trp478Ter (NM_018848.3); short protein forms W478*.
Identifiers: ClinVar variation 2676540 (VCV002676540.5), dbSNP rs1398715312, ClinGen allele CA408230907.